The following is an entry in ClinVar:

ClinVar aggregate classification (germline): Likely benign. Review status: criteria provided, multiple submitters, no conflicts (2 of 4 stars). 2 submissions from 2 submitters: Likely benign (2). Last evaluated 2018-06-14.

Allele frequency attached by ClinVar (database versions not stated): 1000 Genomes Project 0.01957; 1000 Genomes Project 30x 0.01983; TOPMed 0.02695; gnomAD 0.03033 and 0.03082.
gnomAD v4.1: 31,434 of 792,022 alleles (4%); highest among the groups gnomAD compares: South Asian, 5.5%; 732 homozygotes.

Submissions (2):

GeneDx
Classification: Likely benign. Last evaluated: 2018-06-14. Review status: criteria provided, single submitter. Criteria: GeneDx Variant Classification (06012015). Collection method: clinical testing. Allele origin: germline. Affected: yes.
Comment: This variant is considered likely benign or benign based on one or more of the following criteria: it is a conservative change, it occurs at a poorly conserved position in the protein, it is predicted to be benign by multiple in silico algorithms, and/or has population frequency not consistent with disease.

Breakthrough Genomics
Classification: Likely benign. Review status: criteria provided, single submitter. Criteria: ACMG Guidelines, 2015. Collection method: not provided. Allele origin: germline. Inheritance: Autosomal dominant inheritance. Affected: yes.

NM_000501.4(ELN):c.427+203G>A

Gene: ELN (elastin; plus strand). Cytogenetic location: 7q11.23.
Variant type: single nucleotide variant.
Coding change: c.427+203G>A on transcript NM_000501.4 (MANE Select); 203 bases into the intron after coding-DNA position 427, G replaced by A.
Molecular consequence: intron variant.
Genome position (GRCh38, 1-based): chr7:74,043,371, G>A. VCF-style: chr7-74043371-G-A. GRCh37 (hg19) VCF-style: chr7-73457701-G-A.
Other names: c.442+203G>A (NM_001081754.3, NM_001081753.3); c.427+203G>A (NM_001278939.2, NM_001278915.2, NM_001278912.2 and 2 more transcripts); c.391+203G>A (NM_001278913.2); c.412+203G>A (NM_001278914.2); c.397+203G>A (NM_001278917.2, NM_001081752.3, NM_001278918.2).
Identifiers: ClinVar variation 675425 (VCV000675425.2), dbSNP rs28763982, ClinGen allele CA12512145.